The following is an entry in ClinVar:

ClinVar aggregate classification (germline): Likely benign. Review status: reviewed by expert panel (3 of 4 stars). 7 submissions from 7 submitters: Likely benign (1). 6 of the submissions do not count toward it. Last evaluated 2024-09-17.

Conditions:
Cardiovascular phenotype. Identifiers: MedGen CN230736.
Noonan syndrome and Noonan-related syndrome. Identifiers: Orphanet 98733, MedGen C5681679, MONDO:0020297.
RASopathy. Also called: rasopathies; Noonan spectrum disorder. Identifiers: Orphanet 536391, MedGen C5555857, MONDO:0021060.

Allele frequency attached by ClinVar (database versions not stated): gnomAD 0.00006; gnomAD exomes 0.00006; TOPMed 0.00006.
gnomAD v4.1: 136 of 1,527,748 alleles (0.0089%); highest among the groups gnomAD compares: Non-Finnish European, 0.011%; no homozygotes.

Submissions (7):

ClinGen RASopathy Variant Curation Expert Panel
Classification: Likely benign for RASopathy. Last evaluated: 2024-09-17. Review status: reviewed by expert panel. Criteria: ClinGen RASopathy ACMG Specifications BRAF V2.1.0. Collection method: curation. Allele origin: germline. Inheritance: Autosomal dominant inheritance.
Comment: The c.92C>G variant in the BRAF gene is a missense variant predicted to cause substitution of alanine by glycine at amino acid 31 (p.Ala31Gly). The minor allele frequency in gnomAD v4 of this variant is 0.01119% (128/1143560 alleles) for the European (non-Finnish) population (PM2_Supporting/BS1/BA1 are not met). The REVEL computational prediction analysis tool produced a score of 0.207, which meets the threshold for BP4 application. This variant has been identified in at least 1 individual with clinical features of a RASopathy (PS4 not met; Partners LMM internal data; GTR ID's 21766; SCV000061629.5). However, the p.Ala31Gly variant was observed in at least one healthy adult individual who did not have clinical features of a RASopathy (BS2; Partners LMM and GeneDx internal data; GTR ID's 21766, 26957; SCV000061629.5, SCV000207745.9). In summary, this variant meets criteria to be classified as likely benign for autosomal dominant RASopathies based on the ACMG/AMP criteria applied, as specified by the ClinGen RASopathy Variant Curation Expert Panel: BS2, BP4 (Specification Version 2.1, 9/17/2024)

Labcorp Genetics (formerly Invitae), Labcorp
Classification: Uncertain significance for RASopathy. Last evaluated: 2025-12-23. Review status: criteria provided, single submitter. Criteria: Invitae Variant Classification Sherloc (09022015). Collection method: clinical testing. Allele origin: germline. Not counted in ClinVar's aggregate classification.
Comment: This sequence change replaces alanine, which is neutral and non-polar, with glycine, which is neutral and non-polar, at codon 31 of the BRAF protein (p.Ala31Gly). This variant is present in population databases (rs397516906, gnomAD 0.02%). This variant has not been reported in the literature in individuals affected with BRAF-related conditions. ClinVar contains an entry for this variant (Variation ID: 44833). An algorithm developed to predict the effect of missense changes on protein structure and function outputs the following: PolyPhen-2: "Benign". The glycine amino acid residue is found in multiple mammalian species, which suggests that this missense change does not adversely affect protein function. In summary, the available evidence is currently insufficient to determine the role of this variant in disease. Therefore, it has been classified as a Variant of Uncertain Significance.

Blueprint Genetics
Classification: Likely benign. Last evaluated: 2024-05-17. Review status: criteria provided, single submitter. Criteria: ACMG Guidelines, 2015. Collection method: clinical testing. Allele origin: germline. Not counted in ClinVar's aggregate classification.

GeneDx
Classification: Likely benign. Last evaluated: 2021-04-19. Review status: criteria provided, single submitter. Criteria: GeneDx Variant Classification Process June 2021. Collection method: clinical testing. Allele origin: germline. Affected: yes. Not counted in ClinVar's aggregate classification.

Ambry Genetics
Classification: Likely benign for Cardiovascular phenotype. Last evaluated: 2020-05-26. Review status: criteria provided, single submitter. Criteria: Ambry Variant Classification Scheme 2023. Collection method: clinical testing. Allele origin: germline. Not counted in ClinVar's aggregate classification.

Genome Diagnostics Laboratory, The Hospital for Sick Children
Classification: Likely benign for Noonan syndrome and Noonan-related syndrome. Last evaluated: 2017-05-30. Review status: criteria provided, single submitter. Criteria: ACMG Guidelines, 2015. Collection method: clinical testing. Allele origin: germline. Not counted in ClinVar's aggregate classification.

Laboratory for Molecular Medicine, Mass General Brigham Personalized Medicine
Classification: Likely benign. Last evaluated: 2014-10-22. Review status: criteria provided, single submitter. Criteria: LMM Criteria. Collection method: clinical testing. Allele origin: germline. Observed: 3 variant alleles. Not counted in ClinVar's aggregate classification.
Comment: In addition, no pathogenic sequence variants in individua ls with Noonan spectrum disorders have been identified to date in this region of BRAF.

NM_004333.6(BRAF):c.92C>G (p.Ala31Gly)

Gene: BRAF (B-Raf proto-oncogene, serine/threonine kinase; minus strand). Cytogenetic location: 7q34.
Variant type: single nucleotide variant.
Coding change: c.92C>G on transcript NM_004333.6 (MANE Select); coding-DNA position 92, C replaced by G.
Protein change: p.Ala31Gly; replaces alanine 31 with glycine.
Molecular consequence: missense variant.
Genome position (GRCh38, 1-based): chr7:140,924,612, G>C on the plus strand (C>G on the coding strand, the complement: BRAF is on the minus strand). VCF-style: chr7-140924612-G-C. GRCh37 (hg19) VCF-style: chr7-140624412-G-C.
Other names: p.A31G:GCC>GGC; NM_004333.4(BRAF):c.92C>G; NM_004333.6(BRAF):c.92C>G; c.92C>G, p.Ala31Gly (NM_001354609.2, NM_001374244.1, NM_001374258.1 and 7 more transcripts); short protein forms A31G.
Identifiers: ClinVar variation 44833 (VCV000044833.21), dbSNP rs397516906, ClinGen allele CA135146.